The following is an entry in ClinVar:

ClinVar aggregate classification (germline): Uncertain significance. Review status: criteria provided, multiple submitters, no conflicts (2 of 4 stars). 3 submissions from 3 submitters: Uncertain significance (3). Last evaluated 2023-06-05.

Allele frequency attached by ClinVar (database versions not stated): gnomAD exomes below 0.00001; TOPMed below 0.00001.
gnomAD v4.1: 43 of 1,612,546 alleles (0.0027%); highest among the groups gnomAD compares: Non-Finnish European, 0.0035%; no homozygotes.

Submissions (3):

Mayo Clinic Laboratories, Mayo Clinic
Classification: Uncertain significance. Last evaluated: 2023-06-05. Review status: criteria provided, single submitter. Criteria: ACMG Guidelines, 2015. Collection method: clinical testing. Allele origin: germline. Observed: 1 variant allele.
Comment: BP4, PM2_moderate

Labcorp Genetics (formerly Invitae), Labcorp
Classification: Uncertain significance. Last evaluated: 2022-05-04. Review status: criteria provided, single submitter. Criteria: Invitae Variant Classification Sherloc (09022015). Collection method: clinical testing. Allele origin: germline.
Comment: This sequence change replaces valine, which is neutral and non-polar, with methionine, which is neutral and non-polar, at codon 674 of the SBF1 protein (p.Val674Met). This variant is present in population databases (no rsID available, gnomAD 0.0009%). This variant has not been reported in the literature in individuals affected with SBF1-related conditions. ClinVar contains an entry for this variant (Variation ID: 1309901). Algorithms developed to predict the effect of missense changes on protein structure and function (SIFT, PolyPhen-2, Align-GVGD) all suggest that this variant is likely to be tolerated. In summary, the available evidence is currently insufficient to determine the role of this variant in disease. Therefore, it has been classified as a Variant of Uncertain Significance.

GeneDx
Classification: Uncertain significance. Last evaluated: 2019-11-04. Review status: criteria provided, single submitter. Criteria: GeneDx Variant Classification Process June 2021. Collection method: clinical testing. Allele origin: germline. Affected: yes.
Comment: Not observed at a significant frequency in large population cohorts (Lek et al., 2016); In silico analysis, which includes protein predictors and evolutionary conservation, supports that this variant does not alter protein structure/function; Has not been previously published as pathogenic or benign to our knowledge

NM_002972.4(SBF1):c.2020G>A (p.Val674Met)

Gene: SBF1 (SET binding factor 1; minus strand). Cytogenetic location: 22q13.33.
Variant type: single nucleotide variant.
Coding change: c.2020G>A on transcript NM_002972.4 (MANE Select); coding-DNA position 2020, G replaced by A.
Protein change: p.Val674Met; replaces valine 674 with methionine.
Molecular consequence: missense variant.
Genome position (GRCh38, 1-based): chr22:50,462,666, C>T on the plus strand (G>A on the coding strand, the complement: SBF1 is on the minus strand). VCF-style: chr22-50462666-C-T. GRCh37 (hg19) VCF-style: chr22-50901095-C-T.
Other names: p.Val674Met; c.2023G>A, p.Val675Met (NM_001365819.1); short protein forms V674M, V675M.
Identifiers: ClinVar variation 1309901 (VCV001309901.6), dbSNP rs1276480774, ClinGen allele CA412212775.